The following is an entry in ClinVar:

NM_001128840.3(CACNA1D):c.4998G>A (p.Glu1666=)

Gene: CACNA1D (calcium voltage-gated channel subunit alpha1 D; plus strand). Cytogenetic location: 3p21.1.
Variant type: single nucleotide variant.
Coding change: c.4998G>A on transcript NM_001128840.3 (MANE Select); coding-DNA position 4998, G replaced by A.
Protein change: p.Glu1666=; no amino-acid change (glutamic acid 1666 retained).
Molecular consequence: synonymous variant.
Genome position (GRCh38, 1-based): chr3:53,800,323, G>A. VCF-style: chr3-53800323-G-A. GRCh37 (hg19) VCF-style: chr3-53834350-G-A.
Other names: c.5058G>A, p.Glu1686= (NM_000720.4); c.4953G>A, p.Glu1651= (NM_001128839.3).
Identifiers: ClinVar variation 1638688 (VCV001638688.22), dbSNP rs368500737, ClinGen allele CA2455053.

ClinVar aggregate classification (germline): Likely benign. Review status: criteria provided, multiple submitters, no conflicts (2 of 4 stars). 3 submissions from 3 submitters: Likely benign (3). Last evaluated 2025-03-10.

Allele frequency attached by ClinVar (database versions not stated): ESP Exome Variant Server 0.00008.
gnomAD v4.1: 35 of 1,613,800 alleles (0.0022%); highest among the groups gnomAD compares: Non-Finnish European, 0.0029%; no homozygotes.

Submissions (3):

Labcorp Genetics (formerly Invitae), Labcorp
Classification: Likely benign. Last evaluated: 2025-03-10. Review status: criteria provided, single submitter. Criteria: Invitae Variant Classification Sherloc (09022015). Collection method: clinical testing. Allele origin: germline.

CeGaT Center for Human Genetics Tuebingen
Classification: Likely benign. Last evaluated: 2025-01-01. Review status: criteria provided, single submitter. Criteria: CeGaT Center For Human Genetics Tuebingen Variant Classification Criteria Version 2. Collection method: clinical testing. Allele origin: germline. Affected: yes. Observed: 1 variant allele.
Comment: CACNA1D: BP4, BP7

Blueprint Genetics
Classification: Likely benign. Last evaluated: 2024-09-17. Review status: criteria provided, single submitter. Criteria: ACMG Guidelines, 2015. Collection method: clinical testing. Allele origin: germline.